The following is an entry in ClinVar:

ClinVar aggregate classification (germline): Conflicting classifications of pathogenicity. Review status: criteria provided, conflicting classifications (1 of 4 stars). 4 submissions from 4 submitters: Uncertain significance (3); Likely benign (1). Last evaluated 2025-12-01.

Conditions:
Neuropathy, hereditary sensory, type 2C. Also called: KIF1A-Related HSAN2 (HSAN2C); Hereditary sensory and autonomic neuropathy type IIC. Identifiers: Orphanet 970, MedGen C3280168, MONDO:0013634, OMIM 614213.
Intellectual disability, autosomal dominant 9 (NESCAVS). Also called: NESCAV SYNDROME; KIF1A-Related Neurodevelopmental Disorder. Identifiers: Orphanet 662367, MedGen C5393830, MONDO:0013656, OMIM 614255.
Hereditary spastic paraplegia 30. Identifiers: Orphanet 101010, MedGen C5235139, MONDO:0012476.
Hereditary spastic paraplegia. Also called: Familial spastic paraparesis. Identifiers: Orphanet 685, MedGen C0037773, MONDO:0019064. Disease mechanism: loss of function.

Allele frequency attached by ClinVar (database versions not stated): ExAC 0.00003; gnomAD 0.00004 and 0.00005; gnomAD exomes 0.00004; TOPMed 0.00007; ESP Exome Variant Server 0.00008.
gnomAD v4.1: 60 of 1,612,120 alleles (0.0037%); highest among the groups gnomAD compares: South Asian, 0.011%; no homozygotes.

Submissions (4):

Labcorp Genetics (formerly Invitae), Labcorp
Classification: Likely benign for Hereditary spastic paraplegia 30; Neuropathy, hereditary sensory, type 2C; Intellectual disability, autosomal dominant 9. Last evaluated: 2025-12-01. Review status: criteria provided, single submitter. Criteria: Invitae Variant Classification Sherloc (09022015). Collection method: clinical testing. Allele origin: germline.

GeneDx
Classification: Uncertain significance. Last evaluated: 2025-05-01. Review status: criteria provided, single submitter. Criteria: GeneDx Variant Classification Process June 2021. Collection method: clinical testing. Allele origin: germline. Affected: yes.
Comment: In silico analysis supports that this missense variant has a deleterious effect on protein structure/function; Has not been previously published as pathogenic or benign to our knowledge

Mayo Clinic Laboratories, Mayo Clinic
Classification: Uncertain significance. Last evaluated: 2024-02-12. Review status: criteria provided, single submitter. Criteria: ACMG Guidelines, 2015. Collection method: clinical testing. Allele origin: germline. Observed: 1 variant allele.
Comment: BP4

Genome Diagnostics Laboratory, The Hospital for Sick Children
Classification: Uncertain significance for Hereditary spastic paraplegia. Last evaluated: 2016-12-12. Review status: criteria provided, single submitter. Criteria: ACMG Guidelines, 2015. Collection method: clinical testing. Allele origin: germline. Affected: yes.

NM_001244008.2(KIF1A):c.4307C>T (p.Ala1436Val)

Gene: KIF1A (kinesin family member 1A; minus strand). Cytogenetic location: 2q37.3.
Variant type: single nucleotide variant.
Coding change: c.4307C>T on transcript NM_001244008.2 (MANE Select); coding-DNA position 4307, C replaced by T.
Protein change: p.Ala1436Val; replaces alanine 1436 with valine.
Molecular consequence: missense variant.
Genome position (GRCh38, 1-based): chr2:240,723,986, G>A on the plus strand (C>T on the coding strand, the complement: KIF1A is on the minus strand). VCF-style: chr2-240723986-G-A. GRCh37 (hg19) VCF-style: chr2-241663403-G-A.
Other names: p.Ala1335Val; c.4133C>T, p.Ala1378Val (NM_001379634.1); c.4130C>T, p.Ala1377Val (NM_001379635.1, NM_001379646.1); c.4118C>T, p.Ala1373Val (NM_001379636.1); c.4079C>T, p.Ala1360Val (NM_001379637.1); c.4055C>T, p.Ala1352Val (NM_001379638.1); c.4028C>T, p.Ala1343Val (NM_001379639.1); c.4001C>T, p.Ala1334Val (NM_001379640.1); and 9 more; short protein forms A1344V, A1335V, A1369V, A1353V, A1436V, A1334V, A1343V, A1352V.
Identifiers: ClinVar variation 642665 (VCV000642665.15), dbSNP rs375688061, ClinGen allele CA2207430.